The following is an entry in ClinVar:

NM_015447.4(CAMSAP1):c.1707dup (p.Thr570fs)

Gene: CAMSAP1 (calmodulin regulated spectrin associated protein 1; minus strand). Cytogenetic location: 9q34.3.
Variant type: Duplication.
Coding change: c.1707dup on transcript NM_015447.4 (MANE Select); coding-DNA position 1707, one base duplicated (T; older notation c.1707dupT).
Protein change: p.Thr570fs; shifts the reading frame from threonine 570.
Molecular consequence: frameshift variant.
Genome position (GRCh38, 1-based): chr9:135,822,954, A duplicated on the plus strand (T on the coding strand, the reverse complement: CAMSAP1 is on the minus strand); the first of 2 consecutive A bases (chr9:135,822,954-135,822,955); duplicating either gives the same sequence. VCF-style (leftmost placement, unchanged base first): chr9-135822953-T-TA. GRCh37 (hg19) VCF-style: chr9-138714799-T-TA.
Other names: c.1707dupT (NM_015447.4); short protein forms T570fs.
Identifiers: ClinVar variation 972931 (VCV000972931.29), dbSNP rs1835535749, ClinGen allele CA1139661336.

ClinVar aggregate classification (germline): Likely pathogenic. Review status: criteria provided, single submitter (1 of 4 stars). 2 submissions from 2 submitters: Likely pathogenic (1). 1 of the submissions does not count toward it. Last evaluated 2022-09-15.

Conditions:
Cortical dysplasia, complex, with other brain malformations 12 (CDCBM12). Identifiers: MedGen C5830407, MONDO:0957217, OMIM 620316.
CAMSAP1-related neuronal migration disorder.

Submissions (2):

Rare Disease Group, University of Exeter
Classification: Likely pathogenic for CAMSAP1-related neuronal migration disorder. Last evaluated: 2022-09-15. Review status: criteria provided, single submitter. Criteria: ACMG Guidelines, 2015. Collection method: research. Allele origin: inherited. Inheritance: Autosomal recessive inheritance. Affected: yes. Observed: 1 variant allele.

OMIM
Classification: Pathogenic for CORTICAL DYSPLASIA, COMPLEX, WITH OTHER BRAIN MALFORMATIONS 12. Last evaluated: 2023-04-07. Review status: no assertion criteria provided. Collection method: literature only. Allele origin: germline. Not counted in ClinVar's aggregate classification.

Literature cited by the submitters: PubMed 36283405 (cited by OMIM).